The following is an entry in ClinVar:

ClinVar aggregate classification (germline): Benign/Likely benign. Review status: criteria provided, multiple submitters, no conflicts (2 of 4 stars). 6 submissions from 6 submitters: Benign (1); Likely benign (5). Last evaluated 2026-03-05.

Conditions:
Inborn genetic diseases. Identifiers: MedGen C0950123, MeSH D030342.
Alpha thalassemia-X-linked intellectual disability syndrome (ATRX). Also called: ALPHA-THALASSEMIA/MENTAL RETARDATION SYNDROME, X-LINKED; ATR, NONDELETION TYPE; ALPHA-THALASSEMIA/IMPAIRED INTELLECTUAL DEVELOPMENT SYNDROME, X-LINKED; X-linked alpha-thalassemia-mental retardation syndrome; ATR-X syndrome; Alpha thalassemia mental retardation syndrome, nondeletion type, X-linked. Identifiers: Orphanet 847, MedGen C1845055, MONDO:0010519, OMIM 301040.

Allele frequency attached by ClinVar (database versions not stated): gnomAD exomes 0.00005 and 0.00014; gnomAD 0.00007 and 0.00006; TOPMed 0.00009; ExAC 0.00022.
gnomAD v4.1: 64 of 1,191,279 alleles (0.0054%); highest among the groups gnomAD compares: Admixed American, 0.035%; no homozygotes.

Submissions (6):

Women's Health and Genetics/Laboratory Corporation of America, LabCorp
Classification: Likely benign. Last evaluated: 2026-03-05. Review status: criteria provided, single submitter. Criteria: LabCorp Variant Classification Summary - May 2015. Collection method: clinical testing. Allele origin: germline.

Labcorp Genetics (formerly Invitae), Labcorp
Classification: Benign for Alpha thalassemia-X-linked intellectual disability syndrome. Last evaluated: 2026-02-02. Review status: criteria provided, single submitter. Criteria: Invitae Variant Classification Sherloc (09022015). Collection method: clinical testing. Allele origin: germline.

CeGaT Center for Human Genetics Tuebingen
Classification: Likely benign. Last evaluated: 2023-01-01. Review status: criteria provided, single submitter. Criteria: CeGaT Center For Human Genetics Tuebingen Variant Classification Criteria Version 2. Collection method: clinical testing. Allele origin: germline. Affected: yes. Observed: 1 variant allele.
Comment: ATRX: BP4, BP7, BS2

GeneDx
Classification: Likely benign. Last evaluated: 2021-03-16. Review status: criteria provided, single submitter. Criteria: GeneDx Variant Classification Process June 2021. Collection method: clinical testing. Allele origin: germline. Affected: yes.

Ambry Genetics
Classification: Likely benign for Inborn genetic diseases. Last evaluated: 2017-01-05. Review status: criteria provided, single submitter. Criteria: Ambry Variant Classification Scheme 2023. Collection method: clinical testing. Allele origin: germline.

Breakthrough Genomics
Classification: Likely benign. Review status: criteria provided, single submitter. Criteria: ACMG Guidelines, 2015. Collection method: not provided. Allele origin: germline. Inheritance: X-linked inheritance. Affected: yes.

NM_000489.6(ATRX):c.12G>A (p.Glu4=)

Genes: ATRX (ATRX chromatin remodeler; minus strand), LOC130068458 (ATAC-STARR-seq lymphoblastoid active region 29779; plus strand). Cytogenetic location: Xq21.1.
Variant type: single nucleotide variant.
Coding change: c.12G>A on transcript NM_000489.6 (MANE Select); coding-DNA position 12, G replaced by A.
Protein change: p.Glu4=; no amino-acid change (glutamic acid 4 retained).
Molecular consequence: synonymous variant.
Genome position (GRCh38, 1-based): chrX:77,785,990, C>T on the plus strand (G>A on the coding strand, the complement: ATRX is on the minus strand). VCF-style: chrX-77785990-C-T. GRCh37 (hg19) VCF-style: chrX-77041476-C-T.
Other names: c.12G>A, p.Glu4= (NM_138270.5).
Identifiers: ClinVar variation 533643 (VCV000533643.43), dbSNP rs782765957, ClinGen allele CA10458409.
Genomic context (GRCh38, chrX:77,785,990, plus strand): 5'-ACGGTGCCTGGGCCCAGACCGCTGGGGCCCATGAGACGGGGTTGCGTTTTACCTCATGGG[C>T]TCAGCGGTCATGTTTTCGCTTGAACGCCTTGTCGGCTTCTGTGATTGCTGGGCGCCGATC-3'
Protein context (NP_000480.3, residues 1-14): MTA[Glu4=]PMSESKLNTL